The following is an entry in ClinVar:

ClinVar aggregate classification (germline): Uncertain significance (1 of 4 stars; one submission).

Allele frequency attached by ClinVar (database versions not stated): gnomAD exomes below 0.00001; gnomAD 0.00001; TOPMed 0.00001.
gnomAD v4.1: 7 of 1,613,884 alleles (0.00043%); highest among the groups gnomAD compares: Non-Finnish European, 0.00059%; no homozygotes.

Submission:

Labcorp Genetics (formerly Invitae), Labcorp
Classification: Uncertain significance. Last evaluated: 2022-02-07. Review status: criteria provided, single submitter. Criteria: Invitae Variant Classification Sherloc (09022015). Collection method: clinical testing. Allele origin: germline.
Comment: In summary, the available evidence is currently insufficient to determine the role of this variant in disease. Therefore, it has been classified as a Variant of Uncertain Significance. Algorithms developed to predict the effect of sequence changes on RNA splicing suggest that this variant may create or strengthen a splice site. Algorithms developed to predict the effect of missense changes on protein structure and function (SIFT, PolyPhen-2, Align-GVGD) all suggest that this variant is likely to be disruptive. This variant has not been reported in the literature in individuals affected with TBX15-related conditions. This variant is not present in population databases (gnomAD no frequency). This sequence change replaces tryptophan, which is neutral and slightly polar, with cysteine, which is neutral and slightly polar, at codon 103 of the TBX15 protein (p.Trp103Cys).

NM_001330677.2(TBX15):c.627G>T (p.Trp209Cys)

Gene: TBX15 (T-box transcription factor 15; minus strand). Cytogenetic location: 1p12.
Variant type: single nucleotide variant.
Coding change: c.627G>T on transcript NM_001330677.2 (MANE Select); coding-DNA position 627, G replaced by T.
Protein change: p.Trp209Cys; replaces tryptophan 209 with cysteine.
Molecular consequence: missense variant.
Genome position (GRCh38, 1-based): chr1:118,924,712, C>A on the plus strand (G>T on the coding strand, the complement: TBX15 is on the minus strand). VCF-style: chr1-118924712-C-A. GRCh37 (hg19) VCF-style: chr1-119467335-C-A.
Other names: c.309G>T, p.Trp103Cys (NM_152380.3); short protein forms W103C, W209C.
Identifiers: ClinVar variation 1968378 (VCV001968378.4), dbSNP rs1306965761, ClinGen allele CA341434586.
Genomic context (GRCh38, chr1:118,924,712, plus strand): 5'-TTGATCATCCAACTCATTGTTGGTAAGCTTGAGTTTGTCAAAACTGACCACCTGTCTCAT[C>A]CAGGTGTCTCCAGAAGCTAGAGAATCAGGGTGTATATAAACTCTTGGGGGCACAGGGGAA-3'
Protein context (NP_001317606.1, residues 199-219): HPDSLASGDT[Trp209Cys]MRQVVSFDKL